The following is an entry in ClinVar:

ClinVar aggregate classification (germline): Conflicting classifications of pathogenicity. Review status: criteria provided, conflicting classifications (1 of 4 stars). 3 submissions from 3 submitters: Uncertain significance (2); Likely benign (1). Last evaluated 2025-05-08.

Conditions:
Ehlers-Danlos syndrome (EDS). Identifiers: Orphanet 98249, MedGen C0013720, MONDO:0020066.
Congenital contractural arachnodactyly (CCA). Also called: Arthrogryposis, distal, type 9; BEALS SYNDROME; Beals-Hecht syndrome. Identifiers: Orphanet 115, MedGen C0220668, MONDO:0007363, OMIM 121050.

Allele frequency attached by ClinVar (database versions not stated): gnomAD exomes 0.00001 and 0.00003; ExAC 0.00003; gnomAD 0.00003 and 0.00004; TOPMed 0.00003.
gnomAD v4.1: 25 of 1,610,236 alleles (0.0016%); highest among the groups gnomAD compares: African/African-American, 0.0095%; no homozygotes.

Submissions (3):

Labcorp Genetics (formerly Invitae), Labcorp
Classification: Likely benign for Congenital contractural arachnodactyly. Last evaluated: 2025-05-08. Review status: criteria provided, single submitter. Criteria: Invitae Variant Classification Sherloc (09022015). Collection method: clinical testing. Allele origin: germline.

Genome Diagnostics Laboratory, The Hospital for Sick Children
Classification: Uncertain significance for Ehlers-Danlos syndrome. Last evaluated: 2021-07-13. Review status: criteria provided, single submitter. Criteria: ACMG Guidelines, 2015. Collection method: clinical testing. Allele origin: germline.

GeneDx
Classification: Uncertain significance. Last evaluated: 2017-03-21. Review status: criteria provided, single submitter. Criteria: GeneDx Variant Classification (06012015). Collection method: clinical testing. Allele origin: germline. Affected: yes.
Comment: A variant of uncertain significance has been identified in the FBN2 gene. The N1894S variant has not been published as pathogenic or been reported as benign to our knowledge. This variant is not observed at a significant frequencyin large population cohorts (Lek et al., 2016; 1000 Genomes Consortium et al., 2015; Exome Variant Server). Although the N1894S variant is a conservative amino acid substitution, which is not likely to impact secondary protein structure as these residues share similar properties, this substitution occurs at a position that is conserved in mammals. Furthermore, in silico analysis predicts this variant is probably damaging to the protein structure/function. Nevertheless, although the N1894S variant is located within a calcium-binding EGF-like domain of the FBN2 gene, it does not affect a Cysteine residue. Cysteine substitutions in the calcium-binding EGF-like domains represent the majority of pathogenic missense changes associated with CCA (Collod-Beroud et al., 2003; Frederic et al., 2009).

NM_001999.4(FBN2):c.5681A>G (p.Asn1894Ser)

Gene: FBN2 (fibrillin 2; minus strand). Cytogenetic location: 5q23.3.
Variant type: single nucleotide variant.
Coding change: c.5681A>G on transcript NM_001999.4 (MANE Select); coding-DNA position 5681, A replaced by G.
Protein change: p.Asn1894Ser; replaces asparagine 1894 with serine.
Molecular consequence: missense variant.
Genome position (GRCh38, 1-based): chr5:128,305,076, T>C on the plus strand (A>G on the coding strand, the complement: FBN2 is on the minus strand). VCF-style: chr5-128305076-T-C. GRCh37 (hg19) VCF-style: chr5-127640768-T-C.
Other names: short protein forms N1894S.
Identifiers: ClinVar variation 424450 (VCV000424450.10), dbSNP rs750837082, ClinGen allele CA3394619.